The following is an entry in ClinVar:

NM_001318852.2(MAPK8IP3):c.2611G>A (p.Val871Met)

Gene: MAPK8IP3 (mitogen-activated protein kinase 8 interacting protein 3; plus strand). Cytogenetic location: 16p13.3.
Variant type: single nucleotide variant.
Coding change: c.2611G>A on transcript NM_001318852.2 (MANE Select); coding-DNA position 2611, G replaced by A.
Protein change: p.Val871Met; replaces valine 871 with methionine.
Molecular consequence: missense variant.
Genome position (GRCh38, 1-based): chr16:1,766,124, G>A. VCF-style: chr16-1766124-G-A. GRCh37 (hg19) VCF-style: chr16-1816125-G-A.
Other names: c.2590G>A, p.Val864Met (NM_001040439.2); c.2608G>A, p.Val870Met (NM_015133.5); short protein forms V864M, V870M, V871M.
Identifiers: ClinVar variation 3365105 (VCV003365105.1).
Genomic context (GRCh38, chr16:1,766,124, plus strand): 5'-GGCTGTGCCACCCGCTGCAACGTGCCGCGGAGCAACTGCTCCTCCCGAGGGGACACCCCA[G>A]TGCTAGACAAGGGGCAGGGTGAGTCCTGGGCGAGTTTCCCCCATCCCCTCATTCCCACGT-3'
Protein context (NP_001305781.1, residues 861-881): SNCSSRGDTP[Val871Met]LDKGQGEVAT

ClinVar aggregate classification (germline): Uncertain significance (1 of 4 stars; one submission).

gnomAD v4.1: 1 of 1,611,802 alleles (0.000062%); highest among the groups gnomAD compares: African/African-American, 0.0013%; no homozygotes.

Submission:

GeneDx
Classification: Uncertain significance. Last evaluated: 2023-11-30. Review status: criteria provided, single submitter. Criteria: GeneDx Variant Classification Process June 2021. Collection method: clinical testing. Allele origin: germline. Affected: yes.
Comment: Has not been previously published as pathogenic or benign to our knowledge; Not observed at significant frequency in large population cohorts (gnomAD); In silico analysis supports that this missense variant does not alter protein structure/function